The following is an entry in ClinVar:

NM_000117.3(EMD):c.152C>G (p.Pro51Arg)

Gene: EMD (emerin; plus strand). Cytogenetic location: Xq28.
Variant type: single nucleotide variant.
Coding change: c.152C>G on transcript NM_000117.3 (MANE Select); coding-DNA position 152, C replaced by G.
Protein change: p.Pro51Arg; replaces proline 51 with arginine.
Molecular consequence: missense variant.
Genome position (GRCh38, 1-based): chrX:154,379,759, C>G. VCF-style: chrX-154379759-C-G. GRCh37 (hg19) VCF-style: chrX-153608119-C-G.
Other names: short protein forms P51R.
Identifiers: ClinVar variation 2886386 (VCV002886386.3), dbSNP rs2067875460, ClinGen allele CA415257497.

ClinVar aggregate classification (germline): Uncertain significance (1 of 4 stars; one submission).

Conditions:
X-linked Emery-Dreifuss muscular dystrophy. Also called: Muscular dystrophy, tardive Emery-Dreifuss type, with contractures. Identifiers: Orphanet 261, Orphanet 98863, MedGen C0751337, MONDO:0010680.

Submission:

Labcorp Genetics (formerly Invitae), Labcorp
Classification: Uncertain significance for X-linked Emery-Dreifuss muscular dystrophy. Last evaluated: 2024-01-03. Review status: criteria provided, single submitter. Criteria: Invitae Variant Classification Sherloc (09022015). Collection method: clinical testing. Allele origin: germline.
Comment: This sequence change replaces proline, which is neutral and non-polar, with arginine, which is basic and polar, at codon 51 of the EMD protein (p.Pro51Arg). This variant is not present in population databases (gnomAD no frequency). This variant has not been reported in the literature in individuals affected with EMD-related conditions. Advanced modeling of protein sequence and biophysical properties (such as structural, functional, and spatial information, amino acid conservation, physicochemical variation, residue mobility, and thermodynamic stability) performed at Invitae indicates that this missense variant is not expected to disrupt EMD protein function with a negative predictive value of 80%. In summary, the available evidence is currently insufficient to determine the role of this variant in disease. Therefore, it has been classified as a Variant of Uncertain Significance.